The following is an entry in ClinVar:

NC_000009.12:g.35657813A>G

Gene: RMRP (RNA component of mitochondrial RNA processing endoribonuclease; minus strand). Cytogenetic location: 9p13.3.
Variant type: single nucleotide variant.
Genome position: GRCh38 VCF-style: chr9-35657813-A-G. GRCh37 (hg19) VCF-style: chr9-35657810-A-G.
Identifiers: ClinVar variation 2053818 (VCV002053818.2), dbSNP rs370303129, ClinGen allele CA192745565.

ClinVar aggregate classification (germline): Uncertain significance (1 of 4 stars; one submission).

Conditions:
Anauxetic dysplasia. Identifiers: Orphanet 93347, MedGen C1846796, MONDO:0011773.

Allele frequency attached by ClinVar (database versions not stated): gnomAD 0.00001; gnomAD exomes 0.00002; TOPMed 0.00004.
gnomAD v4.1: 13 of 700,316 alleles (0.0019%); highest among the groups gnomAD compares: East Asian, 0.011%; no homozygotes.

Submission:

Labcorp Genetics (formerly Invitae), Labcorp
Classification: Uncertain significance for Anauxetic dysplasia. Last evaluated: 2026-01-20. Review status: criteria provided, single submitter. Criteria: Invitae Variant Classification Sherloc (09022015). Collection method: clinical testing. Allele origin: germline.
Comment: This variant occurs in the RMRP gene, which encodes an RNA molecule that does not result in a protein product. This variant is present in population databases (rs370303129, gnomAD 0.03%). This variant has not been reported in the literature in individuals affected with RMRP-related conditions. ClinVar contains an entry for this variant (Variation ID: 2053818). Experimental studies and prediction algorithms are not available or were not evaluated, and the functional significance of this variant is currently unknown. In summary, the available evidence is currently insufficient to determine the role of this variant in disease. Therefore, it has been classified as a Variant of Uncertain Significance.